The following is an entry in ClinVar:

ClinVar aggregate classification (germline): Uncertain significance (1 of 4 stars; one submission).

Conditions:
Perlman syndrome (PRLMNS). Identifiers: Orphanet 2849, MedGen C0796113, MONDO:0009965, OMIM 267000.

Submission:

Labcorp Genetics (formerly Invitae), Labcorp
Classification: Uncertain significance for Perlman syndrome. Last evaluated: 2022-07-12. Review status: criteria provided, single submitter. Criteria: Invitae Variant Classification Sherloc (09022015). Collection method: clinical testing. Allele origin: germline.
Comment: Algorithms developed to predict the effect of missense changes on protein structure and function are either unavailable or do not agree on the potential impact of this missense change (SIFT: "Deleterious"; PolyPhen-2: "Probably Damaging"; Align-GVGD: "Class C0"). In summary, the available evidence is currently insufficient to determine the role of this variant in disease. Therefore, it has been classified as a Variant of Uncertain Significance. This variant has not been reported in the literature in individuals affected with DIS3L2-related conditions. This sequence change replaces leucine, which is neutral and non-polar, with proline, which is neutral and non-polar, at codon 455 of the DIS3L2 protein (p.Leu455Pro). This variant is not present in population databases (gnomAD no frequency).

NM_152383.5(DIS3L2):c.1364T>C (p.Leu455Pro)

Gene: DIS3L2 (DIS3 like 3'-5' exoribonuclease 2; plus strand). Cytogenetic location: 2q37.1.
Variant type: single nucleotide variant.
Coding change: c.1364T>C on transcript NM_152383.5 (MANE Select); coding-DNA position 1364, T replaced by C.
Protein change: p.Leu455Pro; replaces leucine 455 with proline.
Molecular consequence: missense variant. On other transcripts: non-coding transcript variant (2).
Genome position (GRCh38, 1-based): chr2:232,249,285, T>C. VCF-style: chr2-232249285-T-C. GRCh37 (hg19) VCF-style: chr2-233113995-T-C.
Other names: c.1364T>C, p.Leu455Pro (NM_001257281.2); short protein forms L455P.
Identifiers: ClinVar variation 2093670 (VCV002093670.4), dbSNP rs2470049420, ClinGen allele CA351155447.